The following is an entry in ClinVar:

ClinVar aggregate classification (germline): Uncertain significance (1 of 4 stars; one submission).

Submission:

Ambry Genetics
Classification: Uncertain significance. Last evaluated: 2021-10-13. Review status: criteria provided, single submitter. Criteria: Ambry Variant Classification Scheme 2023. Collection method: clinical testing. Allele origin: germline.
Comment: The p.A883D variant (also known as c.2648C>A), located in coding exon 16 of the POLQ gene, results from a C to A substitution at nucleotide position 2648. The alanine at codon 883 is replaced by aspartic acid, an amino acid with dissimilar properties. This amino acid position is conserved. In addition, this alteration is predicted to be deleterious by in silico analysis. Since supporting evidence is limited at this time, the clinical significance of this alteration remains unclear.

NM_199420.4(POLQ):c.2648C>A (p.Ala883Asp)

Gene: POLQ (DNA polymerase theta; minus strand). Cytogenetic location: 3q13.33.
Variant type: single nucleotide variant.
Coding change: c.2648C>A on transcript NM_199420.4 (MANE Select); coding-DNA position 2648, C replaced by A.
Protein change: p.Ala883Asp; replaces alanine 883 with aspartic acid.
Molecular consequence: missense variant.
Genome position (GRCh38, 1-based): chr3:121,490,283, G>T on the plus strand (C>A on the coding strand, the complement: POLQ is on the minus strand). VCF-style: chr3-121490283-G-T. GRCh37 (hg19) VCF-style: chr3-121209130-G-T.
Other names: short protein forms A883D.
Identifiers: ClinVar variation 1794271 (VCV001794271.2), dbSNP rs2546788430, ClinGen allele CA354105423.
Genomic context (GRCh38, chr3:121,490,283, plus strand): 5'-AGGGCACATGGATTCCATTGCACTCCCATTTCAACTAAGTCCTGCTGCAGAATCATTCTG[G>T]CTTCTTCCACTATAAGGGCTGCTGCTTCCCTTTCAGTTAAACCTTTTCTGCCAGTCACCC-3'
Protein context (NP_955452.3, residues 873-893): REAAALIVEE[Ala883Asp]RMILQQDLVE